The following is an entry in ClinVar:

ClinVar aggregate classification (germline): Benign (1 of 4 stars; one submission).

Conditions:
Adult-onset autosomal dominant demyelinating leukodystrophy. Identifiers: Orphanet 99027, MedGen C1868512, MONDO:0008215.

Allele frequency attached by ClinVar (database versions not stated): 1000 Genomes Project 0.04353; 1000 Genomes Project 30x 0.04450; TOPMed 0.05257; gnomAD 0.05448 and 0.05482; gnomAD exomes 0.05946.
gnomAD v4.1: 16,103 of 280,368 alleles (5.7%); highest among the groups gnomAD compares: South Asian, 7.9%; 513 homozygotes.

Submission:

Illumina Laboratory Services, Illumina
Classification: Benign for Leukodystrophy, demyelinating, adult-onset, autosomal dominant, typical. Last evaluated: 2018-01-12. Review status: criteria provided, single submitter. Criteria: ICSL Variant Classification Criteria 13 December 2019. Collection method: clinical testing. Allele origin: germline.
Comment: This variant was observed in the ICSL laboratory as part of a predisposition screen in an ostensibly healthy population. It had not been previously curated by ICSL or reported in the Human Gene Mutation Database (HGMD: prior to June 1st, 2018), and was therefore a candidate for classification through an automated scoring system. Utilizing variant allele frequency, disease prevalence and penetrance estimates, and inheritance mode, an automated score was calculated to assess if this variant is too frequent to cause the disease. Based on the score and internal cut-off values, a variant classified as benign is not then subjected to further curation. The score for this variant resulted in a classification of benign for this disease.

NM_005573.4(LMNB1):c.-298G>T

Gene: LMNB1 (lamin B1; plus strand). Cytogenetic location: 5q23.2.
Variant type: single nucleotide variant.
Coding change: c.-298G>T on transcript NM_005573.4 (MANE Select); 298 bases upstream of the start codon, G replaced by T.
Molecular consequence: 5 prime UTR variant. On other transcripts: non-coding transcript variant (1).
Genome position (GRCh38, 1-based): chr5:126,777,211, G>T. VCF-style: chr5-126777211-G-T. GRCh37 (hg19) VCF-style: chr5-126112903-G-T.
Other names: c.-305G>T (NM_001198557.2).
Identifiers: ClinVar variation 350609 (VCV000350609.5), dbSNP rs111865788, ClinGen allele CA10622452.
Genomic context (GRCh38, chr5:126,777,211, plus strand): 5'-AGAGGAAACAAAGTGCTGCGAGCAGGAGACGGCGGCGGCGCGAACCCTGCTGGGCCTCCA[G>T]TCACCCTCGTCTTGCATTTTCCCGCGTGCGTGTGTGAGTGGGTGTGTGTGTTTTCTTACA-3'